The following is an entry in ClinVar:

ClinVar aggregate classification (germline): Uncertain significance. Review status: criteria provided, multiple submitters, no conflicts (2 of 4 stars). 2 submissions from 2 submitters: Uncertain significance (2). Last evaluated 2025-09-26.

gnomAD v4.1: 26 of 1,613,856 alleles (0.0016%); highest among the groups gnomAD compares: South Asian, 0.021%; no homozygotes.

Submissions (2):

Ambry Genetics
Classification: Uncertain significance. Last evaluated: 2025-09-26. Review status: criteria provided, single submitter. Criteria: Ambry Variant Classification Scheme 2023. Collection method: clinical testing. Allele origin: germline.

Labcorp Genetics (formerly Invitae), Labcorp
Classification: Uncertain significance. Last evaluated: 2025-02-11. Review status: criteria provided, single submitter. Criteria: Invitae Variant Classification Sherloc (09022015). Collection method: clinical testing. Allele origin: germline.
Comment: This sequence change replaces isoleucine, which is neutral and non-polar, with threonine, which is neutral and polar, at codon 474 of the SPPL2A protein (p.Ile474Thr). This variant is present in population databases (rs774817828, gnomAD 0.01%). This variant has not been reported in the literature in individuals affected with SPPL2A-related conditions. An algorithm developed to predict the effect of missense changes on protein structure and function (PolyPhen-2) suggests that this variant is likely to be tolerated. In summary, the available evidence is currently insufficient to determine the role of this variant in disease. Therefore, it has been classified as a Variant of Uncertain Significance.

NM_032802.4(SPPL2A):c.1421T>C (p.Ile474Thr)

Gene: SPPL2A (signal peptide peptidase like 2A; minus strand). Cytogenetic location: 15q21.2.
Variant type: single nucleotide variant.
Coding change: c.1421T>C on transcript NM_032802.4 (MANE Select); coding-DNA position 1421, T replaced by C.
Protein change: p.Ile474Thr; replaces isoleucine 474 with threonine.
Molecular consequence: missense variant.
Genome position (GRCh38, 1-based): chr15:50,720,007, A>G on the plus strand (T>C on the coding strand, the complement: SPPL2A is on the minus strand). VCF-style: chr15-50720007-A-G. GRCh37 (hg19) VCF-style: chr15-51012204-A-G.
Other names: c.1421T>C (NM_032802.3); short protein forms I474T.
Identifiers: ClinVar variation 3613764 (VCV003613764.3).